The following is an entry in ClinVar:

NM_000135.4(FANCA):c.2615del (p.Met872fs)

Genes: FANCA (FA complementation group A; minus strand), LOC130059837 (ATAC-STARR-seq lymphoblastoid active region 11420; plus strand). Cytogenetic location: 16q24.3.
Variant type: Deletion.
Coding change: c.2615del on transcript NM_000135.4 (MANE Select); coding-DNA position 2615, one base deleted (T; older notation c.2615delT).
Protein change: p.Met872fs; shifts the reading frame from methionine 872.
Molecular consequence: frameshift variant.
Genome position (GRCh38, 1-based): chr16:89,765,053, A deleted on the plus strand (T on the coding strand, the reverse complement: FANCA is on the minus strand). VCF-style (leftmost placement, unchanged base first): chr16-89765052-CA-C. GRCh37 (hg19) VCF-style: chr16-89831460-CA-C.
Other names: c.2615del, p.Met872fs (NM_001286167.3); short protein forms M872fs.
Identifiers: ClinVar variation 4081679 (VCV004081679.1).

ClinVar aggregate classification (germline): Pathogenic (1 of 4 stars; one submission).

Conditions:
Fanconi anemia complementation group A (FANCA). Also called: FANCA-Related Fanconi Anemia; Fanconi anemia, group A. Identifiers: Orphanet 84, MedGen C3469521, MONDO:0009215, OMIM 227650.

Submission:

Myriad Genetics, Inc.
Classification: Pathogenic for Fanconi anemia complementation group A. Last evaluated: 2025-06-16. Review status: criteria provided, single submitter. Criteria: Myriad Autosomal Dominant, Autosomal Recessive and X-Linked Classification Criteria (2023). Collection method: clinical testing. Allele origin: unknown.
Comment: NM_000135.2(FANCA):c.2615delT(M872Sfs*17) is a frameshift variant classified as pathogenic in the context of Fanconi anemia complementation group A. M872Sfs*17 has not been observed in cases with relevant disease. Relevant functional assessments of this variant are not available in the literature. M872Sfs*17 has not been observed in referenced population frequency databases. In summary, NM_000135.2(FANCA):c.2615delT(M872Sfs*17) is a frameshift variant in a gene where loss of function is a known mechanism of disease and is predicted to disrupt protein function. Please note: this variant was assessed in the context of healthy population screening.